The following is an entry in ClinVar:

ClinVar aggregate classification (germline): Uncertain significance (1 of 4 stars; one submission).

Conditions:
Cardiovascular phenotype. Identifiers: MedGen CN230736.

Submission:

Ambry Genetics
Classification: Uncertain significance for Cardiovascular phenotype. Last evaluated: 2022-09-05. Review status: criteria provided, single submitter. Criteria: Ambry Variant Classification Scheme 2023. Collection method: clinical testing. Allele origin: germline.
Comment: The p.S627Y variant (also known as c.1880C>A), located in coding exon 9 of the MYPN gene, results from a C to A substitution at nucleotide position 1880. The serine at codon 627 is replaced by tyrosine, an amino acid with dissimilar properties. This amino acid position is conserved. In addition, this alteration is predicted to be tolerated by in silico analysis. Since supporting evidence is limited at this time, the clinical significance of this alteration remains unclear.

NM_032578.4(MYPN):c.1880C>A (p.Ser627Tyr)

Gene: MYPN (myopalladin; plus strand). Cytogenetic location: 10q21.3.
Variant type: single nucleotide variant.
Coding change: c.1880C>A on transcript NM_032578.4 (MANE Select); coding-DNA position 1880, C replaced by A.
Protein change: p.Ser627Tyr; replaces serine 627 with tyrosine.
Molecular consequence: missense variant. On other transcripts: non-coding transcript variant (2).
Genome position (GRCh38, 1-based): chr10:68,166,573, C>A. VCF-style: chr10-68166573-C-A. GRCh37 (hg19) VCF-style: chr10-69926330-C-A.
Other names: c.1880C>A, p.Ser627Tyr (NM_001256267.2); c.998C>A, p.Ser333Tyr (NM_001256268.2); short protein forms S627Y, S333Y.
Identifiers: ClinVar variation 1781883 (VCV001781883.2), dbSNP rs762100810, ClinGen allele CA376840612.